The following is an entry in ClinVar:

NM_006206.6(PDGFRA):c.2923C>T (p.Pro975Ser)

Gene: PDGFRA (platelet derived growth factor receptor alpha; plus strand). Cytogenetic location: 4q12.
Variant type: single nucleotide variant.
Coding change: c.2923C>T on transcript NM_006206.6 (MANE Select); coding-DNA position 2923, C replaced by T.
Protein change: p.Pro975Ser; replaces proline 975 with serine.
Molecular consequence: missense variant.
Genome position (GRCh38, 1-based): chr4:54,290,355, C>T. VCF-style: chr4-54290355-C-T. GRCh37 (hg19) VCF-style: chr4-55156522-C-T.
Other names: c.2998C>T, p.Pro1000Ser (NM_001347828.2); c.2923C>T, p.Pro975Ser (NM_001347829.2); c.2962C>T, p.Pro988Ser (NM_001347830.2); short protein forms P975S, P988S, P1000S.
Identifiers: ClinVar variation 2134373 (VCV002134373.4), dbSNP rs2475565082, ClinGen allele CA356896005.

ClinVar aggregate classification (germline): Uncertain significance (1 of 4 stars; one submission).

Conditions:
Gastrointestinal stromal tumor. Also called: Gastrointestinal stroma tumor; Gastrointestinal stromal tumor, somatic. Identifiers: Orphanet 44890, MedGen C0238198, MeSH D046152, MONDO:0011719, OMIM 606764, HP:0100723.

Submission:

Labcorp Genetics (formerly Invitae), Labcorp
Classification: Uncertain significance for Gastrointestinal stromal tumor. Last evaluated: 2022-05-05. Review status: criteria provided, single submitter. Criteria: Invitae Variant Classification Sherloc (09022015). Collection method: clinical testing. Allele origin: germline.
Comment: This sequence change replaces proline, which is neutral and non-polar, with serine, which is neutral and polar, at codon 975 of the PDGFRA protein (p.Pro975Ser). This variant is not present in population databases (gnomAD no frequency). This variant has not been reported in the literature in individuals affected with PDGFRA-related conditions. Algorithms developed to predict the effect of missense changes on protein structure and function are either unavailable or do not agree on the potential impact of this missense change (SIFT: "Deleterious"; PolyPhen-2: "Probably Damaging"; Align-GVGD: "Class C0"). In summary, the available evidence is currently insufficient to determine the role of this variant in disease. Therefore, it has been classified as a Variant of Uncertain Significance.